The following is an entry in ClinVar:

NM_024753.5(TTC21B):c.992G>A (p.Gly331Glu)

Gene: TTC21B (tetratricopeptide repeat domain 21B; minus strand). Cytogenetic location: 2q24.3.
Variant type: single nucleotide variant.
Coding change: c.992G>A on transcript NM_024753.5 (MANE Select); coding-DNA position 992, G replaced by A.
Protein change: p.Gly331Glu; replaces glycine 331 with glutamic acid.
Molecular consequence: missense variant.
Genome position (GRCh38, 1-based): chr2:165,930,267, C>T on the plus strand (G>A on the coding strand, the complement: TTC21B is on the minus strand). VCF-style: chr2-165930267-C-T. GRCh37 (hg19) VCF-style: chr2-166786777-C-T.
Other names: short protein forms G331E.
Identifiers: ClinVar variation 1708054 (VCV001708054.1), dbSNP rs1686838527, ClinGen allele CA349066804.

ClinVar aggregate classification (germline): Likely pathogenic (1 of 4 stars; one submission).

Conditions:
Nephronophthisis 12 (NPHP12). Identifiers: Orphanet 655, MedGen C3151186, MONDO:0013442, OMIM 613820.

Submission:

Laboratory of Medical Genetics, National & Kapodistrian University of Athens
Classification: Likely pathogenic for Nephronophthisis 12. Last evaluated: 2022-05-17. Review status: criteria provided, single submitter. Criteria: ACMG Guidelines, 2015. Collection method: clinical testing. Allele origin: germline. Affected: yes.
Comment: PS4_MOD, PM2, PP3, PP4